The following is an entry in ClinVar:

NM_007294.4(BRCA1):c.*781C>T

Gene: BRCA1 (BRCA1 DNA repair associated; minus strand). Cytogenetic location: 17q21.31.
Variant type: single nucleotide variant.
Coding change: c.*781C>T on transcript NM_007294.4 (MANE Select); 781 bases downstream of the stop codon, C replaced by T.
Molecular consequence: 3 prime UTR variant. On other transcripts: non-coding transcript variant (1).
Genome position (GRCh38, 1-based): chr17:43,044,897, G>A on the plus strand (C>T on the coding strand, the complement: BRCA1 is on the minus strand). VCF-style: chr17-43044897-G-A. GRCh37 (hg19) VCF-style: chr17-41196914-G-A.
Other names: 6492 C>T; c.*781C>T (NM_001407660.1, NM_001407661.1, NM_001407662.1 and 348 more transcripts); c.*887C>T (NM_001407854.1, NM_001407858.1, NM_001407859.1 and 14 more transcripts).
Identifiers: ClinVar variation 132778 (VCV000132778.13), dbSNP rs8176319, ClinGen allele CA003864.
Genomic context (GRCh38, chr17:43,044,897, plus strand): 5'-ACTGTCACCCAGGCTGGAGTGCCGTGGTATGATCTTGGCTCACTGCAACCTCCACCTCCC[G>A]GGCTGAAGTGATTCTCCTGCCTTAGCCACCTGAGTAGCTGGGATTACAGGTGTCCACCAC-3'

ClinVar aggregate classification (germline): Benign. Review status: reviewed by expert panel (3 of 4 stars). 5 submissions from 5 submitters: Benign (1). 4 of the submissions do not count toward it. Last evaluated 2015-01-12.

Conditions:
Breast-ovarian cancer, familial, susceptibility to, 1 (BROVCA1). Also called: BRCA1 Hereditary Breast and Ovarian Cancer; OVARIAN CANCER, SUSCEPTIBILITY TO. Identifiers: Orphanet 145, MedGen C2676676, MONDO:0011450, OMIM 604370. Disease mechanism: loss of function.

Allele frequency attached by ClinVar (database versions not stated): gnomAD exomes 0.00075 and 0.00138; ExAC 0.00111; gnomAD 0.00673 and 0.00732; 1000 Genomes Project 30x 0.00718; 1000 Genomes Project 0.00719; TOPMed 0.00760.

Submissions (5):

Evidence-based Network for the Interpretation of Germline Mutant Alleles (ENIGMA)
Classification: Benign for Breast-ovarian cancer, familial 1. Last evaluated: 2015-01-12. Review status: reviewed by expert panel. Criteria: ENIGMA BRCA1/2 Classification Criteria (2015). Collection method: curation. Allele origin: germline.
Comment: Class 1 not pathogenic based on frequency >1% in an outbred sampleset. Frequency 0.03049 (African), derived from 1000 genomes (2012-04-30).

Blueprint Genetics
Classification: Likely benign. Last evaluated: 2022-10-30. Review status: criteria provided, single submitter. Criteria: ACMG Guidelines, 2015. Collection method: clinical testing. Allele origin: germline. Not counted in ClinVar's aggregate classification.

GeneDx
Classification: Likely benign. Last evaluated: 2019-06-15. Review status: criteria provided, single submitter. Criteria: GeneDx Variant Classification Process June 2021. Collection method: clinical testing. Allele origin: germline. Affected: yes. Not counted in ClinVar's aggregate classification.

Genetic Services Laboratory, University of Chicago
Classification: Benign. Last evaluated: 2017-12-11. Review status: criteria provided, single submitter. Criteria: ACMG Guidelines, 2015. Collection method: clinical testing. Allele origin: germline. Affected: no. Not counted in ClinVar's aggregate classification.

Counsyl
Classification: Benign for Breast-ovarian cancer, familial 1. Last evaluated: 2014-02-17. Review status: no assertion criteria provided. Collection method: literature only. Allele origin: unknown. Inheritance: Autosomal dominant inheritance. Not counted in ClinVar's aggregate classification.

Literature cited by the submitters: PubMed 22753153 (cited by Counsyl).